The following is an entry in ClinVar:

NM_004523.4(KIF11):c.1611C>A (p.Asn537Lys)

Gene: KIF11 (kinesin family member 11; plus strand). Cytogenetic location: 10q23.33.
Variant type: single nucleotide variant.
Coding change: c.1611C>A on transcript NM_004523.4 (MANE Select); coding-DNA position 1611, C replaced by A.
Protein change: p.Asn537Lys; replaces asparagine 537 with lysine.
Molecular consequence: missense variant.
Genome position (GRCh38, 1-based): chr10:92,632,602, C>A. VCF-style: chr10-92632602-C-A. GRCh37 (hg19) VCF-style: chr10-94392359-C-A.
Other names: short protein forms N537K.
Identifiers: ClinVar variation 2630991 (VCV002630991.2), dbSNP rs1326550267, ClinGen allele CA377592297.

ClinVar aggregate classification (germline): Uncertain significance (1 of 4 stars; one submission).

Conditions:
KIF11-related disorder. Also called: KIF11-related condition.

Submission:

PreventionGenetics, part of Exact Sciences
Classification: Uncertain significance for KIF11-related condition. Last evaluated: 2026-08-03. Review status: criteria provided, single submitter. Criteria: ACMG Guidelines, 2015. Collection method: clinical testing. Allele origin: germline.
Comment: The KIF11 c.1611C>A variant is predicted to result in the amino acid substitution p.Asn537Lys. To our knowledge, this variant has not been reported in the literature or in a large population database (gnomAD), indicating this variant is rare. At this time, the clinical significance of this variant is uncertain due to the absence of conclusive functional and genetic evidence.